The following is an entry in ClinVar:

ClinVar aggregate classification (germline): Uncertain significance (1 of 4 stars; one submission).

Allele frequency attached by ClinVar (database versions not stated): gnomAD exomes below 0.00001.
gnomAD v4.1: 1 of 1,606,398 alleles (0.000062%); highest among the groups gnomAD compares: Non-Finnish European, 0.000085%; no homozygotes.

Submission:

Ambry Genetics
Classification: Uncertain significance. Last evaluated: 2022-01-15. Review status: criteria provided, single submitter. Criteria: Ambry Variant Classification Scheme 2023. Collection method: clinical testing. Allele origin: germline.
Comment: The p.F666L variant (also known as c.1998C>G), located in coding exon 18 of the PRKDC gene, results from a C to G substitution at nucleotide position 1998. The phenylalanine at codon 666 is replaced by leucine, an amino acid with highly similar properties. This amino acid position is conserved. In addition, the in silico prediction for this alteration is inconclusive. Since supporting evidence is limited at this time, the clinical significance of this alteration remains unclear.

NM_006904.7(PRKDC):c.1998C>G (p.Phe666Leu)

Gene: PRKDC (protein kinase, DNA-activated, catalytic subunit; minus strand). Cytogenetic location: 8q11.21.
Variant type: single nucleotide variant.
Coding change: c.1998C>G on transcript NM_006904.7 (MANE Select); coding-DNA position 1998, C replaced by G.
Protein change: p.Phe666Leu; replaces phenylalanine 666 with leucine.
Molecular consequence: missense variant.
Genome position (GRCh38, 1-based): chr8:47,929,907, G>C on the plus strand (C>G on the coding strand, the complement: PRKDC is on the minus strand). VCF-style: chr8-47929907-G-C. GRCh37 (hg19) VCF-style: chr8-48842467-G-C.
Other names: c.1998C>G, p.Phe666Leu (NM_001081640.2); short protein forms F666L.
Identifiers: ClinVar variation 1784090 (VCV001784090.2), dbSNP rs2551878609, ClinGen allele CA371164188.